The following is an entry in ClinVar:

ClinVar aggregate classification (germline): Benign (1 of 4 stars; one submission).

Conditions:
Familial cancer of breast. Also called: BREAST CANCER, FAMILIAL; Hereditary breast cancer; hereditary breast carcinoma. Identifiers: Orphanet 227535, MedGen C0346153, MONDO:0016419, OMIM 114480. Disease mechanism: loss of function.

Allele frequency attached by ClinVar (database versions not stated): gnomAD exomes below 0.00001.
gnomAD v4.1: 1 of 1,614,144 alleles (0.000062%); no homozygotes.

Submission:

Myriad Genetics, Inc.
Classification: Benign for Familial cancer of breast. Last evaluated: 2024-05-09. Review status: criteria provided, single submitter. Criteria: Myriad Autosomal Dominant, Autosomal Recessive and X-Linked Classification Criteria (2023). Collection method: clinical testing. Allele origin: unknown.
Comment: This variant is considered benign. This variant is a silent/synonymous amino acid change and it is not expected to impact splicing.

NM_000051.4(ATM):c.2568T>C (p.Asn856=)

Gene: ATM (ATM serine/threonine kinase; plus strand). Cytogenetic location: 11q22.3.
Variant type: single nucleotide variant.
Coding change: c.2568T>C on transcript NM_000051.4 (MANE Select); coding-DNA position 2568, T replaced by C.
Protein change: p.Asn856=; no amino-acid change (asparagine 856 retained).
Molecular consequence: synonymous variant.
Genome position (GRCh38, 1-based): chr11:108,267,272, T>C. VCF-style: chr11-108267272-T-C. GRCh37 (hg19) VCF-style: chr11-108137999-T-C.
Other names: c.2568T>C, p.Asn856= (NM_001351834.2).
Identifiers: ClinVar variation 3253877 (VCV003253877.1), dbSNP rs2135507951.
Genomic context (GRCh38, chr11:108,267,272, plus strand): 5'-ATCAATGGAAGATGATACTAATGGAAATCTAATGGAGGTGGAGGATCAGTCATCCATGAA[T>C]CTATTTAACGATTACCCTGATAGTAGTGTTAGTGATGCAAACGAACCTGGAGAGAGCCAA-3'
Protein context (NP_000042.3, residues 846-866): LMEVEDQSSM[Asn856=]LFNDYPDSSV